The following is an entry in ClinVar:

ClinVar aggregate classification (germline): Uncertain significance (1 of 4 stars; one submission).

Submission:

GeneDx
Classification: Uncertain significance. Last evaluated: 2022-09-01. Review status: criteria provided, single submitter. Criteria: GeneDx Variant Classification Process June 2021. Collection method: clinical testing. Allele origin: germline. Affected: yes.
Comment: Not observed at significant frequency in large population cohorts (gnomAD); In silico analysis supports that this missense variant does not alter protein structure/function; Has not been previously published as pathogenic or benign to our knowledge

NM_012310.5(KIF4A):c.545T>C (p.Leu182Ser)

Gene: KIF4A (kinesin family member 4A; plus strand). Cytogenetic location: Xq13.1.
Variant type: single nucleotide variant.
Coding change: c.545T>C on transcript NM_012310.5 (MANE Select); coding-DNA position 545, T replaced by C.
Protein change: p.Leu182Ser; replaces leucine 182 with serine.
Molecular consequence: missense variant.
Genome position (GRCh38, 1-based): chrX:70,301,928, T>C. VCF-style: chrX-70301928-T-C. GRCh37 (hg19) VCF-style: chrX-69521778-T-C.
Other names: short protein forms L182S.
Identifiers: ClinVar variation 2442553 (VCV002442553.1), dbSNP rs2521027192, ClinGen allele CA413487409.